The following is an entry in ClinVar:

ClinVar aggregate classification (germline): Uncertain significance (1 of 4 stars; one submission).

Conditions:
Inborn genetic diseases. Identifiers: MedGen C0950123, MeSH D030342.

Submission:

Ambry Genetics
Classification: Uncertain significance for Inborn genetic diseases. Last evaluated: 2025-05-09. Review status: criteria provided, single submitter. Criteria: Ambry Variant Classification Scheme 2023. Collection method: clinical testing. Allele origin: germline.
Comment: The p.G522R variant (also known as c.1564G>A), located in coding exon 17 of the RTEL1 gene, results from a G to A substitution at nucleotide position 1564. The glycine at codon 522 is replaced by arginine, an amino acid with dissimilar properties. This amino acid position is conserved. In addition, the in silico prediction for this alteration is inconclusive. Based on the available evidence, the clinical significance of this variant remains unclear.

NM_001283009.2(RTEL1):c.1564G>A (p.Gly522Arg)

Genes: RTEL1 (regulator of telomere elongation helicase 1; plus strand), RTEL1-TNFRSF6B (RTEL1-TNFRSF6B readthrough (NMD candidate); plus strand). Cytogenetic location: 20q13.33.
Variant type: single nucleotide variant.
Coding change: c.1564G>A on transcript NM_001283009.2 (MANE Select); coding-DNA position 1564, G replaced by A.
Protein change: p.Gly522Arg; replaces glycine 522 with arginine.
Molecular consequence: missense variant. On other transcripts: non-coding transcript variant (1).
Genome position (GRCh38, 1-based): chr20:63,688,019, G>A. VCF-style: chr20-63688019-G-A. GRCh37 (hg19) VCF-style: chr20-62319372-G-A.
Other names: c.895G>A, p.Gly299Arg (NM_001283010.1); c.1564G>A, p.Gly522Arg (NM_016434.4); c.1636G>A, p.Gly546Arg (NM_032957.5); short protein forms G546R, G299R, G522R.
Identifiers: ClinVar variation 3948383 (VCV003948383.1).